The following is an entry in ClinVar:

NM_020381.4(PDSS2):c.896C>G (p.Pro299Arg)

Gene: PDSS2 (decaprenyl diphosphate synthase subunit 2; minus strand). Cytogenetic location: 6q21.
Variant type: single nucleotide variant.
Coding change: c.896C>G on transcript NM_020381.4 (MANE Select); coding-DNA position 896, C replaced by G.
Protein change: p.Pro299Arg; replaces proline 299 with arginine.
Molecular consequence: missense variant.
Genome position (GRCh38, 1-based): chr6:107,210,551, G>C on the plus strand (C>G on the coding strand, the complement: PDSS2 is on the minus strand). VCF-style: chr6-107210551-G-C. GRCh37 (hg19) VCF-style: chr6-107531755-G-C.
Other names: short protein forms P299R.
Identifiers: ClinVar variation 2109865 (VCV002109865.4), dbSNP rs1187639482, ClinGen allele CA365322664.

ClinVar aggregate classification (germline): Uncertain significance (1 of 4 stars; one submission).

Allele frequency attached by ClinVar (database versions not stated): gnomAD exomes below 0.00001.
gnomAD v4.1: 1 of 1,597,726 alleles (0.000063%); highest among the groups gnomAD compares: South Asian, 0.0011%; no homozygotes.

Submission:

Labcorp Genetics (formerly Invitae), Labcorp
Classification: Uncertain significance. Last evaluated: 2022-03-12. Review status: criteria provided, single submitter. Criteria: Invitae Variant Classification Sherloc (09022015). Collection method: clinical testing. Allele origin: germline.
Comment: In summary, the available evidence is currently insufficient to determine the role of this variant in disease. Therefore, it has been classified as a Variant of Uncertain Significance. Algorithms developed to predict the effect of missense changes on protein structure and function are either unavailable or do not agree on the potential impact of this missense change (SIFT: "Deleterious"; PolyPhen-2: "Probably Damaging"; Align-GVGD: "Class C0"). This variant has not been reported in the literature in individuals affected with PDSS2-related conditions. This variant is present in population databases (no rsID available, gnomAD 0.003%). This sequence change replaces proline, which is neutral and non-polar, with arginine, which is basic and polar, at codon 299 of the PDSS2 protein (p.Pro299Arg).